The following is an entry in ClinVar:

NM_001267550.2(TTN):c.53287G>C (p.Asp17763His)

Genes: TTN (titin; minus strand), TTN-AS1 (TTN antisense RNA 1; plus strand), LOC126806425 (BRD4-independent group 4 enhancer GRCh37_chr2:179471933-179473132; plus strand). Cytogenetic location: 2q31.2.
Variant type: single nucleotide variant.
Coding change: c.53287G>C on transcript NM_001267550.2 (MANE Select); coding-DNA position 53287, G replaced by C.
Protein change: p.Asp17763His; replaces aspartic acid 17763 with histidine.
Molecular consequence: missense variant.
Genome position (GRCh38, 1-based): chr2:178,607,401, C>G on the plus strand (G>C on the coding strand, the complement: TTN is on the minus strand). VCF-style: chr2-178607401-C-G. GRCh37 (hg19) VCF-style: chr2-179472128-C-G.
Other names: c.48364G>C, p.Asp16122His (NM_001256850.1); c.26092G>C, p.Asp8698His (NM_003319.4); c.45583G>C, p.Asp15195His (NM_133378.4); c.26467G>C, p.Asp8823His (NM_133432.3); c.26668G>C, p.Asp8890His (NM_133437.4); short protein forms D8890H, D8823H, D15195H, D16122H, D17763H, D8698H.
Identifiers: ClinVar variation 855978 (VCV000855978.8), dbSNP rs2055154464, ClinGen allele CA349565487.
Genomic context (GRCh38, chr2:178,607,401, plus strand): 5'-AATGTAATAAGATAGTATCACTTGGGAAAATCCTGTGAAAATCAGTGCAACATTCCTTAC[C>G]AAAAACTTCTACCCTGGCTGCTGCAAATTTGGAACCACAGCTATTTGTAGCTGTAATCAC-3'
Protein context (NP_001254479.2, residues 17753-17773): KFAAARVEVF[Asp17763His]VPGPVLDLKP

ClinVar aggregate classification (germline): Uncertain significance (1 of 4 stars; one submission).

Conditions:
Dilated cardiomyopathy 1G (CMD1G). Identifiers: Orphanet 154, MedGen C1858763, MONDO:0011400, OMIM 604145.
Autosomal recessive limb-girdle muscular dystrophy type 2J (LGMDR10). Also called: Limb-girdle muscular dystrophy, type 2J; MUSCULAR DYSTROPHY, LIMB-GIRDLE, AUTOSOMAL RECESSIVE 10. Identifiers: Orphanet 140922, MedGen C1837342, MONDO:0012127, OMIM 608807.

Submission:

Labcorp Genetics (formerly Invitae), Labcorp
Classification: Uncertain significance for Dilated cardiomyopathy 1G; Autosomal recessive limb-girdle muscular dystrophy type 2J. Last evaluated: 2021-07-16. Review status: criteria provided, single submitter. Criteria: Invitae Variant Classification Sherloc (09022015). Collection method: clinical testing. Allele origin: germline.
Comment: Nucleotide substitutions within the consensus splice site are a relatively common cause of aberrant splicing (PMID: 17576681, 9536098). Algorithms developed to predict the effect of sequence changes on RNA splicing suggest that this variant may disrupt the consensus splice site, but this prediction has not been confirmed by published transcriptional studies. In summary, the available evidence is currently insufficient to determine the role of this variant in disease. Therefore, it has been classified as a Variant of Uncertain Significance. This variant is located in the A band of TTN (PMID: 25589632). Variants in this region may be relevant for cardiac or neuromuscular disorders (PMID: 25589632, 23975875). This variant has not been reported in the literature in individuals with TTN-related conditions. This variant is not present in population databases (ExAC no frequency). This sequence change replaces aspartic acid with histidine at codon 17763 of the TTN protein (p.Asp17763His). There is a moderate physicochemical difference between aspartic acid and histidine. This variant also falls at the last nucleotide of exon 277 of the TTN coding sequence, which is part of the consensus splice site for this exon.

Literature cited by the submitters: PubMed 17576681; PubMed 9536098; PubMed 25589632; PubMed 23975875.